The following is an entry in ClinVar:

NM_139137.4(KCNC2):c.439G>C (p.Asp147His)

Gene: KCNC2 (potassium voltage-gated channel subfamily C member 2; minus strand). Cytogenetic location: 12q21.1.
Variant type: single nucleotide variant.
Coding change: c.439G>C on transcript NM_139137.4 (MANE Select); coding-DNA position 439, G replaced by C.
Protein change: p.Asp147His; replaces aspartic acid 147 with histidine.
Molecular consequence: missense variant. On other transcripts: non-coding transcript variant (2).
Genome position (GRCh38, 1-based): chr12:75,207,545, C>G on the plus strand (G>C on the coding strand, the complement: KCNC2 is on the minus strand). VCF-style: chr12-75207545-C-G. GRCh37 (hg19) VCF-style: chr12-75601325-C-G.
Other names: c.439G>C, p.Asp147His (NM_001260497.2, NM_001260498.2, NM_001260499.2 and 13 more transcripts); short protein forms D147H.
Identifiers: ClinVar variation 2505859 (VCV002505859.2), dbSNP rs2548168428, ClinGen allele CA385785899.

ClinVar aggregate classification (germline): Uncertain significance (1 of 4 stars; one submission).

Submission:

GeneDx
Classification: Uncertain significance. Last evaluated: 2025-04-24. Review status: criteria provided, single submitter. Criteria: GeneDx Variant Classification Process June 2021. Collection method: clinical testing. Allele origin: germline. Affected: yes.
Comment: Not observed at significant frequency in large population cohorts (gnomAD); In silico analysis supports that this missense variant has a deleterious effect on protein structure/function; Has not been previously published as pathogenic or benign to our knowledge